The following is an entry in ClinVar:

NM_000317.3(PTS):c.187A>G (p.Ile63Val)

Gene: PTS (6-pyruvoyltetrahydropterin synthase; plus strand). Cytogenetic location: 11q23.1.
Variant type: single nucleotide variant.
Coding change: c.187A>G on transcript NM_000317.3 (MANE Select); coding-DNA position 187, A replaced by G.
Protein change: p.Ile63Val; replaces isoleucine 63 with valine.
Molecular consequence: missense variant.
Genome position (GRCh38, 1-based): chr11:112,230,626, A>G. VCF-style: chr11-112230626-A-G. GRCh37 (hg19) VCF-style: chr11-112101349-A-G.
Other names: short protein forms I63V.
Identifiers: ClinVar variation 551578 (VCV000551578.8), dbSNP rs778053171, ClinGen allele CA6278522.
Genomic context (GRCh38, chr11:112,230,626, plus strand): 5'-TGCCAGCCGTTTAATATGGAGAGCCTATCACAGTAATATTCACCTTTGTTTATTCTTTAG[A>G]TTGACCCTGCTACGGGAATGGTTATGAATCTGGCTGATCTCAAAAAATATATGGAGGTAA-3'
Protein context (NP_000308.1, residues 53-73): YKVVVTVHGE[Ile63Val]DPATGMVMNL

ClinVar aggregate classification (germline): Pathogenic/Likely pathogenic. Review status: criteria provided, multiple submitters, no conflicts (2 of 4 stars). 4 submissions from 4 submitters: Pathogenic (1); Likely pathogenic (2). 1 of the submissions does not count toward it. Last evaluated 2025-07-07.

Conditions:
6-Pyruvoyl-tetrahydrobiopterin synthase deficiency. Also called: 6-Pyruvoyltetrahydropterin Synthase Deficiency; PTS DEFICIENCY; HYPERPHENYLALANINEMIA, TETRAHYDROBIOPTERIN-DEFICIENT, DUE TO PTS DEFICIENCY; PTS-Related Tetrahydrobiopterin Deficiency; BH4-deficient hyperphenylalaninemia A; Hyperphenylalanemia, BH4-deficient, A. Identifiers: Orphanet 13, Orphanet 238583, MedGen C0878676, MONDO:0009863, OMIM 261640.
PTS-related disorder. Also called: PTS-related condition.

Allele frequency attached by ClinVar (database versions not stated): gnomAD 0.00001; gnomAD exomes 0.00001; ExAC 0.00002.

Submissions (4):

Natera, Inc.
Classification: Likely pathogenic for 6-Pyruvoyl-tetrahydrobiopterin synthase deficiency. Last evaluated: 2025-07-07. Review status: criteria provided, single submitter. Criteria: Natera Variant Classification Schema (03/2026). Collection method: clinical testing. Allele origin: germline.
Comment: The c.187A>G variant in PTS is a missense variant predicted to cause substitution of isoleucine to valine at amino acid 63. This variant is rare in the general population with a frequency below the threshold expected for the associated phenotype(s). This variant has been observed in one or more individuals affected with the associated recessive disease, as either homozygous or compound heterozygous with a second variant (PMID: 33822819, 23942198). Given the available evidence, this variant is classified as Likely Pathogenic.

Labcorp Genetics (formerly Invitae), Labcorp
Classification: Pathogenic for 6-Pyruvoyl-tetrahydrobiopterin synthase deficiency. Last evaluated: 2023-05-21. Review status: criteria provided, single submitter. Criteria: Invitae Variant Classification Sherloc (09022015). Collection method: clinical testing. Allele origin: germline.
Comment: ClinVar contains an entry for this variant (Variation ID: 551578). This missense change has been observed in individual(s) with hyperphenylalaninemia (PMID: 23942198, 33822819). In at least one individual the data is consistent with being in trans (on the opposite chromosome) from a pathogenic variant. This variant is present in population databases (rs778053171, gnomAD 0.004%). This sequence change replaces isoleucine, which is neutral and non-polar, with valine, which is neutral and non-polar, at codon 63 of the PTS protein (p.Ile63Val). Algorithms developed to predict the effect of missense changes on protein structure and function output the following: SIFT: "Not Available"; PolyPhen-2: "Benign"; Align-GVGD: "Not Available". The valine amino acid residue is found in multiple mammalian species, which suggests that this missense change does not adversely affect protein function. For these reasons, this variant has been classified as Pathogenic.

Blueprint Genetics
Classification: Likely pathogenic for PTS-related disorders. Last evaluated: 2021-09-15. Review status: criteria provided, single submitter. Criteria: ACMG Guidelines, 2015. Collection method: clinical testing. Allele origin: germline. Affected: yes. Observed: 2 variant alleles.

Counsyl
Classification: Uncertain significance for 6-Pyruvoyl-tetrahydrobiopterin synthase deficiency. Last evaluated: 2017-04-24. Review status: no assertion criteria provided. Collection method: clinical testing. Allele origin: unknown. Not counted in ClinVar's aggregate classification.

Literature cited by the submitters: PubMed 33822819 (cited by Natera, Inc. and Labcorp Genetics (formerly Invitae), Labcorp); PubMed 23942198 (cited by 3 submitters).